The following is an entry in ClinVar:

NM_133433.4(NIPBL):c.7936_7961del (p.Arg2646fs)

Gene: NIPBL (NIPBL cohesin loading factor; plus strand). Cytogenetic location: 5p13.2.
Variant type: Deletion.
Coding change: c.7936_7961del on transcript NM_133433.4 (MANE Select); coding-DNA positions 7936 to 7961, 26 bases deleted (CGGAACAAAGCAATTACCTCACTGCT).
Protein change: p.Arg2646fs; shifts the reading frame from arginine 2646.
Molecular consequence: frameshift variant.
Genome position (GRCh38, 1-based): chr5:37,063,865-37,063,890, CGGAACAAAGCAATTACCTCACTGCT deleted; deleting any 26 consecutive bases within chr5:37,063,861-37,063,890 gives the same sequence; the c. name uses the placement nearest the transcript's 3' end. VCF-style (leftmost placement, unchanged base first): chr5-37063860-ATGCTCGGAACAAAGCAATTACCTCAC-A. GRCh37 (hg19) VCF-style: chr5-37063962-ATGCTCGGAACAAAGCAATTACCTCAC-A.
Other names: c.7936_7961del, p.Arg2646fs (NM_015384.5); short protein forms R2646fs.
Identifiers: ClinVar variation 1706568 (VCV001706568.2), dbSNP rs2478758255, ClinGen allele CA2580073222.
Genomic context (GRCh38, chr5:37,063,860, plus strand): 5'-TCATGGAACATCTGGACCCTGATGAAGAAGAAGAAGAAGGGGAGGTTTCAGCTAGCACAA[ATGCTCGGAACAAAGCAATTACCTCAC>A]TGCTTGGAGGAGGCAGCCCTAAAAATAATACAGCAGCAGAGACAGAAGATGATGAAAGTG-3'

ClinVar aggregate classification (germline): Likely pathogenic (0 of 4 stars; one submission).

Conditions:
Cornelia de Lange syndrome 1 (CDLS1). Also called: NIPBL-Related Cornelia de Lange Syndrome; TYPUS DEGENERATIVUS AMSTELODAMENSIS; Brachmann de Lange syndrome. Identifiers: Orphanet 199, MedGen C4551851, MONDO:0007387, OMIM 122470.

Submission:

University of Washington Department of Laboratory Medicine, University of Washington
Classification: Likely pathogenic for Cornelia de Lange syndrome 1. Last evaluated: 2021-11-24. Review status: no assertion criteria provided. Collection method: clinical testing. Allele origin: unknown. Affected: yes.
Comment: The p.Arg2646Trpfs*6 variant in the NIPBL gene has not been previously reported in association with disease and was absent from large population databases, including the Genome Aggregation Database. The p.Arg2646Trpfs*6 variant results in a 26bp deletion in exon 46 of 47 exons, which causes a shift in the protein reading frame, leading to a premature termination codon 6 amino acids downstream. This may lead to absent protein expression due to nonsense mediated decay or to a truncated protein product. This has not been tested directly. Numerous premature termination variants C-terminal to the p.Arg2646Trpfs*6 variant have been reported in individuals with Cornelia de Lange syndrome, suggesting this variant is deleterious even in the absence of nonsense-mediated decay. Using ACMG guidelines, this variant was classified as likely pathogenic for autosomal dominant Cornelia de Lange syndrome (ACMG evidence codes used: PVS1, PM2_supporting).